The following is an entry in ClinVar:

NM_000107.3(DDB2):c.1113G>A (p.Thr371=)

Gene: DDB2 (damage specific DNA binding protein 2; plus strand). Cytogenetic location: 11p11.2.
Variant type: single nucleotide variant.
Coding change: c.1113G>A on transcript NM_000107.3 (MANE Select); coding-DNA position 1113, G replaced by A.
Protein change: p.Thr371=; no amino-acid change (threonine 371 retained).
Molecular consequence: synonymous variant. On other transcripts: non-coding transcript variant (2).
Genome position (GRCh38, 1-based): chr11:47,237,926, G>A. VCF-style: chr11-47237926-G-A. GRCh37 (hg19) VCF-style: chr11-47259477-G-A.
Other names: c.546G>A, p.Thr182= (NM_001300734.2, NM_001399876.1); c.1113G>A, p.Thr371= (NM_001399874.1, NM_001399875.1); c.921G>A, p.Thr307= (NM_001399878.1).
Identifiers: ClinVar variation 2641759 (VCV002641759.24), dbSNP rs144368453, ClinGen allele CA5972711.
Genomic context (GRCh38, chr11:47,237,926, plus strand): 5'-TGTTGTGGGCCGATACCCAGATCCTAATTTCAAAAGTTGTACCCCTTATGAATTGAGGAC[G>A]ATCGACGTGTTCGATGGAAACTCAGGGAAGATGATGTGTCAGCTCTATGACCCAGAATCT-3'
Protein context (NP_000098.1, residues 361-381): FKSCTPYELR[Thr371=]IDVFDGNSGK

ClinVar aggregate classification (germline): Likely benign (1 of 4 stars; one submission).

Allele frequency attached by ClinVar (database versions not stated): gnomAD exomes 0.00002; ExAC 0.00003; ESP Exome Variant Server 0.00008.
gnomAD v4.1: 29 of 1,614,026 alleles (0.0018%); highest among the groups gnomAD compares: Non-Finnish European, 0.0025%; no homozygotes.

Submission:

CeGaT Center for Human Genetics Tuebingen
Classification: Likely benign. Last evaluated: 2026-07-01. Review status: criteria provided, single submitter. Criteria: CeGaT Center For Human Genetics Tuebingen Variant Classification Criteria Version 2. Collection method: clinical testing. Allele origin: germline. Affected: yes. Observed: 3 variant alleles.
Comment: DDB2: BP4, BP7